The following is an entry in ClinVar:

NM_000044.6(AR):c.35del (p.Pro12fs)

Gene: AR (androgen receptor; plus strand). Cytogenetic location: Xq12.
Variant type: Deletion.
Coding change: c.35del on transcript NM_000044.6 (MANE Select); coding-DNA position 35, one base deleted (C; older notation c.35delC).
Protein change: p.Pro12fs; shifts the reading frame from proline 12.
Molecular consequence: frameshift variant. On other transcripts: 5 prime UTR variant (1).
Genome position (GRCh38, 1-based): chrX:67,545,181, C deleted; the last of 3 consecutive C bases (chrX:67,545,179-67,545,181); deleting any one gives the same sequence. VCF-style (leftmost placement, unchanged base first): chrX-67545178-AC-A. GRCh37 (hg19) VCF-style: chrX-66765020-AC-A.
Other names: c.-1749del (NM_001011645.3); c.35del, p.Pro12fs (NM_001348061.1, NM_001348063.1, NM_001348064.1); c.35delC, p.Pro12Leufs (NM_001424175.1); short protein forms P12fs.
Identifiers: ClinVar variation 3062254 (VCV003062254.1), dbSNP rs2519599125, ClinGen allele CA2740092165.

ClinVar aggregate classification (germline): Likely pathogenic (1 of 4 stars; one submission).

Conditions:
Androgen resistance syndrome (AIS). Also called: ANDROGEN RECEPTOR DEFICIENCY; DIHYDROTESTOSTERONE RECEPTOR DEFICIENCY; TESTICULAR FEMINIZATION SYNDROME; Androgen insensitivity syndrome; Androgen insensitivity, complete; DHTR DEFICIENCY. Identifiers: Orphanet 754, Orphanet 99429, MedGen C0039585, MONDO:0019154, OMIM 300068. Disease mechanism: loss of function.

Submission:

Molecular Genetics Department, Kulakov National Medical Research Center for Obstetrics, Gynecology and Perinatology
Classification: Likely pathogenic for Androgen resistance syndrome. Review status: criteria provided, single submitter. Criteria: ACMG Guidelines, 2015. Collection method: clinical testing. Allele origin: germline. Affected: yes.
Comment: A previously undescribed nucleotide variant creates a frameshift p.Pro12LeufsTer22 in the AR gene. Loss-of-function variants are reported in patients with Androgen insensitivity, 300068. The variant is not present in population database (gnomAD no frequency). In summary, the currently available evidence indicates that the variant is pathogenic, but additional data are needed to prove that conclusively. Therefore, this variant has been classified as likely pathogenic.